The following is an entry in ClinVar:

ClinVar aggregate classification (germline): Uncertain significance (1 of 4 stars; one submission).

Conditions:
Fanconi anemia (FA). Also called: Fanconi's anemia. Identifiers: Orphanet 84, MedGen C0015625, MeSH D005199, MONDO:0019391.

Submission:

Labcorp Genetics (formerly Invitae), Labcorp
Classification: Uncertain significance for Fanconi anemia. Last evaluated: 2025-10-01. Review status: criteria provided, single submitter. Criteria: Invitae Variant Classification Sherloc (09022015). Collection method: clinical testing. Allele origin: germline.
Comment: This sequence change replaces glutamic acid, which is acidic and polar, with aspartic acid, which is acidic and polar, at codon 899 of the FANCI protein (p.Glu899Asp). This variant is not present in population databases (gnomAD no frequency). This variant has not been reported in the literature in individuals affected with FANCI-related conditions. ClinVar contains an entry for this variant (Variation ID: 1997530). Invitae Evidence Modeling of protein sequence and biophysical properties (such as structural, functional, and spatial information, amino acid conservation, physicochemical variation, residue mobility, and thermodynamic stability) indicates that this missense variant is not expected to disrupt FANCI protein function with a negative predictive value of 80%. In summary, the available evidence is currently insufficient to determine the role of this variant in disease. Therefore, it has been classified as a Variant of Uncertain Significance.

NM_001113378.2(FANCI):c.2697G>T (p.Glu899Asp)

Gene: FANCI (FA complementation group I; plus strand). Cytogenetic location: 15q26.1.
Variant type: single nucleotide variant.
Coding change: c.2697G>T on transcript NM_001113378.2 (MANE Select); coding-DNA position 2697, G replaced by T.
Protein change: p.Glu899Asp; replaces glutamic acid 899 with aspartic acid.
Molecular consequence: missense variant.
Genome position (GRCh38, 1-based): chr15:89,299,860, G>T. VCF-style: chr15-89299860-G-T. GRCh37 (hg19) VCF-style: chr15-89843091-G-T.
Other names: c.2418G>T, p.Glu806Asp (NM_001376910.1); c.2697G>T, p.Glu899Asp (NM_001376911.1); c.2517G>T, p.Glu839Asp (NM_018193.3); short protein forms E806D, E899D, E839D.
Identifiers: ClinVar variation 1997530 (VCV001997530.4), dbSNP rs2507838420, ClinGen allele CA393736737.